The following is an entry in ClinVar:

ClinVar aggregate classification (germline): Uncertain significance (1 of 4 stars; one submission).

Conditions:
Hereditary breast ovarian cancer syndrome. Also called: Hereditary breast and ovarian cancer syndrome; Hereditary breast and ovarian cancer; BRCA1- and BRCA2-Associated Hereditary Breast and Ovarian Cancer; Hereditary breast and/or ovarian cancer syndrome; Breast and ovarian cancer; Hereditary breast and ovarian cancer syndrome (HBOC). Identifiers: Orphanet 145, MedGen C0677776, MeSH D061325, MONDO:0003582. Disease mechanism: loss of function.

Submission:

Labcorp Genetics (formerly Invitae), Labcorp
Classification: Uncertain significance for Hereditary breast ovarian cancer syndrome. Last evaluated: 2023-11-24. Review status: criteria provided, single submitter. Criteria: Invitae Variant Classification Sherloc (09022015). Collection method: clinical testing. Allele origin: germline.
Comment: This sequence change replaces cysteine, which is neutral and slightly polar, with phenylalanine, which is neutral and non-polar, at codon 1591 of the BRCA2 protein (p.Cys1591Phe). This variant is not present in population databases (gnomAD no frequency). This variant has not been reported in the literature in individuals affected with BRCA2-related conditions. Advanced modeling of protein sequence and biophysical properties (such as structural, functional, and spatial information, amino acid conservation, physicochemical variation, residue mobility, and thermodynamic stability) performed at Invitae indicates that this missense variant is not expected to disrupt BRCA2 protein function with a negative predictive value of 95%. In summary, the available evidence is currently insufficient to determine the role of this variant in disease. Therefore, it has been classified as a Variant of Uncertain Significance.

NM_000059.4(BRCA2):c.4772G>T (p.Cys1591Phe)

Gene: BRCA2 (BRCA2 DNA repair associated; plus strand). Cytogenetic location: 13q13.1.
Variant type: single nucleotide variant.
Coding change: c.4772G>T on transcript NM_000059.4 (MANE Select); coding-DNA position 4772, G replaced by T.
Protein change: p.Cys1591Phe; replaces cysteine 1591 with phenylalanine.
Molecular consequence: missense variant. On other transcripts: non-coding transcript variant (1), intron variant (2).
Genome position (GRCh38, 1-based): chr13:32,339,127, G>T. VCF-style: chr13-32339127-G-T. GRCh37 (hg19) VCF-style: chr13-32913264-G-T.
Other names: c.4772G>T, p.Cys1591Phe (NM_001406719.1, NM_001406720.1); c.1910-5431G>T (NM_001406721.1); c.425-5431G>T (NM_001406722.1); short protein forms C1591F.
Identifiers: ClinVar variation 2868079 (VCV002868079.3), dbSNP rs1555283933, ClinGen allele CA387783171.